The following is an entry in ClinVar:

ClinVar aggregate classification (germline): Benign. Review status: criteria provided, multiple submitters, no conflicts (2 of 4 stars). 3 submissions from 3 submitters: Benign (3). Last evaluated 2024-07-31.

Allele frequency attached by ClinVar (database versions not stated): gnomAD 0.11349 and 0.12186; TOPMed 0.12738; 1000 Genomes Project 30x 0.18395; 1000 Genomes Project 0.18910.
gnomAD v4.1: 204,190 of 1,463,610 alleles (14%); highest among the groups gnomAD compares: East Asian, 35%; 16,924 homozygotes.

Submissions (3):

Unidad de Genómica Garrahan, Hospital de Pediatría Garrahan
Classification: Benign. Last evaluated: 2024-07-31. Review status: criteria provided, single submitter. Criteria: ACMG Guidelines, 2015. Collection method: clinical testing. Allele origin: germline. Affected: no. Observed: 37 variant alleles.
Comment: This variant is classified as Benign based on local population frequency. This variant was detected in 40% of patients studied in a panel designed for Epileptic and Developmental Encephalopathy, Progressive Myoclonus Epilepsy and Abnormal Movements and Neurodegeneration with brain iron accumulation. Number of patients: 37. Only high quality variants are reported.

GeneDx
Classification: Benign. Last evaluated: 2018-06-25. Review status: criteria provided, single submitter. Criteria: GeneDx Variant Classification Process June 2021. Collection method: clinical testing. Allele origin: germline. Affected: yes.

Breakthrough Genomics
Classification: Benign. Review status: criteria provided, single submitter. Criteria: ACMG Guidelines, 2015. Collection method: not provided. Allele origin: germline. Inheritance: Autosomal dominant inheritance. Affected: yes.

NM_001127222.2(CACNA1A):c.3554-90G>A

Gene: CACNA1A (calcium voltage-gated channel subunit alpha1 A; minus strand). Cytogenetic location: 19p13.13.
Variant type: single nucleotide variant.
Coding change: c.3554-90G>A on transcript NM_001127222.2 (MANE Select); 90 bases into the intron before coding-DNA position 3554, G replaced by A.
Molecular consequence: intron variant.
Genome position (GRCh38, 1-based): chr19:13,285,296, C>T on the plus strand (G>A on the coding strand, the complement: CACNA1A is on the minus strand). VCF-style: chr19-13285296-C-T. GRCh37 (hg19) VCF-style: chr19-13396110-C-T.
Other names: c.3557-90G>A (NM_001127221.2, NM_001174080.2); c.3566-90G>A (NM_000068.4, NM_023035.3).
Identifiers: ClinVar variation 1293083 (VCV001293083.5), dbSNP rs3764580, ClinGen allele CA15949254.